The following is an entry in ClinVar:

NM_000218.3(KCNQ1):c.1393+31020A>T

Genes: KCNQ1 (potassium voltage-gated channel subfamily Q member 1; plus strand), KCNQ1OT1 (KCNQ1 opposite strand/antisense transcript 1; minus strand). Cytogenetic location: 11p15.5.
Variant type: single nucleotide variant.
Coding change: c.1393+31020A>T on transcript NM_000218.3 (MANE Select); 31020 bases into the intron after coding-DNA position 1393, A replaced by T.
Molecular consequence: intron variant. On other transcripts: non-coding transcript variant (1).
Genome position (GRCh38, 1-based): chr11:2,619,874, A>T. VCF-style: chr11-2619874-A-T. GRCh37 (hg19) VCF-style: chr11-2641104-A-T.
Other names: c.1297+31020A>T (NM_001406836.1); c.853+31020A>T (NM_001406838.1); c.1012+31020A>T (NM_181798.2); c.1123+31020A>T (NM_001406837.1).
Identifiers: ClinVar variation 2641380 (VCV002641380.24), dbSNP rs751473850, ClinGen allele CA216361764.

ClinVar aggregate classification (germline): Likely benign (1 of 4 stars; one submission).

Allele frequency attached by ClinVar (database versions not stated): 1000 Genomes Project 30x 0.00016; gnomAD 0.00057; TOPMed 0.00057; gnomAD exomes 0.00066.
gnomAD v4.1: 250 of 397,860 alleles (0.063%); highest among the groups gnomAD compares: Non-Finnish European, 0.094%; no homozygotes.

Submission:

CeGaT Center for Human Genetics Tuebingen
Classification: Likely benign. Last evaluated: 2022-11-01. Review status: criteria provided, single submitter. Criteria: CeGaT Center For Human Genetics Tuebingen Variant Classification Criteria Version 2. Collection method: clinical testing. Allele origin: germline. Affected: yes. Observed: 1 variant allele.
Comment: KCNQ1OT1: BS1